The following is an entry in ClinVar:

ClinVar aggregate classification (germline): Uncertain significance (1 of 4 stars; one submission).

Conditions:
Progressive sclerosing poliodystrophy (MTDPS4A). Also called: Alpers-Huttenlocher Syndrome (AHS); Alpers Syndrome; ALPERS PROGRESSIVE INFANTILE POLIODYSTROPHY; Mitochondrial DNA depletion syndrome 4A (Alpers type); ALPERS DIFFUSE DEGENERATION OF CEREBRAL GRAY MATTER WITH HEPATIC CIRRHOSIS; Alpers-Huttenlocher Syndrome. Identifiers: Orphanet 726, MedGen C0205710, MONDO:0008758, OMIM 203700.

Allele frequency attached by ClinVar (database versions not stated): gnomAD exomes below 0.00001 and 0.00001; TOPMed below 0.00001; ExAC 0.00001; gnomAD 0.00001.
gnomAD v4.1: 3 of 1,522,628 alleles (0.0002%); highest among the groups gnomAD compares: Non-Finnish European, 0.00026%; no homozygotes.

Submission:

Wong Mito Lab, Molecular and Human Genetics, Baylor College of Medicine
Classification: Uncertain significance for Progressive sclerosing poliodystrophy. Last evaluated: 2018-10-01. Review status: criteria provided, single submitter. Criteria: ACMG Guidelines, 2015. Collection method: clinical testing. Allele origin: germline.
Comment: The NM_002693.2:c.635C>T (NP_002684.1:p.Ala212Val) [GRCH38: NC_000015.10:g.89333120G>A] variant in POLG gene is interpretated to be a Uncertain Significance based on ACMG guidelines (PMID: 25741868). This variant meets the following evidence codes reported in the ACMG-guideline. PP3:Computational evidence/predictors indicate the variant has deleterious effect on POLG structure, function, or protein-protein interaction. Based on the evidence criteria codes applied, the variant is suggested to be Uncertain Significance.

NM_002693.3(POLG):c.635C>T (p.Ala212Val)

Genes: POLG (DNA polymerase gamma, catalytic subunit; minus strand), POLGARF (POLG alternative reading frame; minus strand). Cytogenetic location: 15q26.1.
Variant type: single nucleotide variant.
Coding change: c.635C>T on transcript NM_002693.3 (MANE Select); coding-DNA position 635, C replaced by T.
Protein change: p.Ala212Val; replaces alanine 212 with valine.
Molecular consequence: missense variant.
Genome position (GRCh38, 1-based): chr15:89,333,120, G>A on the plus strand (C>T on the coding strand, the complement: POLG is on the minus strand). VCF-style: chr15-89333120-G-A. GRCh37 (hg19) VCF-style: chr15-89876351-G-A.
Other names: c.635C>T, p.Ala212Val (NM_001126131.2); short protein forms A212V.
Identifiers: ClinVar variation 619443 (VCV000619443.1), dbSNP rs751130039, ClinGen allele CA7725086.